The following is an entry in ClinVar:

NM_000169.3(GLA):c.307G>C (p.Glu103Gln)

Genes: GLA (galactosidase alpha; minus strand), RPL36A-HNRNPH2 (RPL36A-HNRNPH2 readthrough; plus strand). Cytogenetic location: Xq22.1.
Variant type: single nucleotide variant.
Coding change: c.307G>C on transcript NM_000169.3 (MANE Select); coding-DNA position 307, G replaced by C.
Protein change: p.Glu103Gln; replaces glutamic acid 103 with glutamine.
Molecular consequence: missense variant. On other transcripts: non-coding transcript variant (3), intron variant (2).
Genome position (GRCh38, 1-based): chrX:101,403,873, C>G on the plus strand (G>C on the coding strand, the complement: GLA is on the minus strand). VCF-style: chrX-101403873-C-G. GRCh37 (hg19) VCF-style: chrX-100658861-C-G.
Other names: c.430G>C, p.Glu144Gln (NM_001406747.1, NM_001406749.1); c.307G>C, p.Glu103Gln (NM_001406748.1); c.301-8063C>G (NM_001199973.2); c.178-8063C>G (NM_001199974.2); short protein forms E103Q, E144Q.
Identifiers: ClinVar variation 4087337 (VCV004087337.2).

ClinVar aggregate classification (germline): Uncertain significance (1 of 4 stars; one submission).

Conditions:
Fabry disease. Also called: ALPHA-GALACTOSIDASE A DEFICIENCY; ANDERSON-FABRY DISEASE; CERAMIDE TRIHEXOSIDASE DEFICIENCY; GLA DEFICIENCY; HEREDITARY DYSTOPIC LIPIDOSIS; Angiokeratoma corporis diffusum. Identifiers: Orphanet 324, MedGen C0002986, MONDO:0010526, OMIM 301500, HP:0001071. Disease mechanism: Fabry disease is due to inactivating mutations in the X-linked GLA gene resulting in deficiency of the enzyme Alpha Galactosidase-A., loss of function.

Submission:

Genomenon, Inc
Classification: Uncertain significance for Fabry disease. Last evaluated: 2026-09-08. Review status: criteria provided, single submitter. Criteria: Genomenon Sequence Variant Interpretation Standards - Updated. Collection method: curation. Allele origin: germline. Affected: no.
Comment: GLA p.Glu103Gln (c.307G>C) is a missense variant that changes the amino acid at codon 103 from Glutamic acid to Glutamine. This variant has been reported in the published literature (PMID:15776423;27657681). It is absent or not present at a significant frequency in gnomAD. In conclusion, we classify GLA p.Glu103Gln (c.307G>C) as a variant of uncertain significance.

Literature cited by the submitters: PubMed 15776423; PubMed 27657681.